The following is an entry in ClinVar:

ClinVar aggregate classification (germline): Likely benign. Review status: criteria provided, multiple submitters, no conflicts (2 of 4 stars). 3 submissions from 3 submitters: Likely benign (3). Last evaluated 2023-08-03.

Conditions:
Seizures, benign familial infantile, 3 (BFIS3). Also called: Familial neonatal seizures; CONVULSIONS, BENIGN FAMILIAL INFANTILE, 3. Identifiers: Orphanet 140927, Orphanet 306, MedGen C1843140, MONDO:0011904, OMIM 607745.
Developmental and epileptic encephalopathy, 11 (DEE11). Also called: Early infantile epileptic encephalopathy 11. Identifiers: Orphanet 1934, MedGen C3150987, MONDO:0013388, OMIM 613721.

Allele frequency attached by ClinVar (database versions not stated): gnomAD 0.00001 and 0.00002; TOPMed 0.00002; gnomAD exomes 0.00003 and 0.00007; ExAC 0.00005; 1000 Genomes Project 30x 0.00016; 1000 Genomes Project 0.00020.
gnomAD v4.1: 44 of 1,607,908 alleles (0.0027%); highest among the groups gnomAD compares: East Asian, 0.016%; no homozygotes.

Submissions (3):

Labcorp Genetics (formerly Invitae), Labcorp
Classification: Likely benign for Seizures, benign familial infantile, 3; Developmental and epileptic encephalopathy, 11. Last evaluated: 2023-08-03. Review status: criteria provided, single submitter. Criteria: Invitae Variant Classification Sherloc (09022015). Collection method: clinical testing. Allele origin: germline.

Blueprint Genetics
Classification: Likely benign. Last evaluated: 2023-04-05. Review status: criteria provided, single submitter. Criteria: ACMG Guidelines, 2015. Collection method: clinical testing. Allele origin: germline.

GeneDx
Classification: Likely benign. Last evaluated: 2017-02-23. Review status: criteria provided, single submitter. Criteria: GeneDx Variant Classification (06012015). Collection method: clinical testing. Allele origin: germline. Affected: yes.
Comment: This variant is considered likely benign or benign based on one or more of the following criteria: it is a conservative change, it occurs at a poorly conserved position in the protein, it is predicted to be benign by multiple in silico algorithms, and/or has population frequency not consistent with disease.

NM_001040142.2(SCN2A):c.1383+20G>A

Gene: SCN2A (sodium voltage-gated channel alpha subunit 2; plus strand). Cytogenetic location: 2q24.3.
Variant type: single nucleotide variant.
Coding change: c.1383+20G>A on transcript NM_001040142.2 (MANE Select); 20 bases into the intron after coding-DNA position 1383, G replaced by A.
Molecular consequence: intron variant.
Genome position (GRCh38, 1-based): chr2:165,314,128, G>A. VCF-style: chr2-165314128-G-A. GRCh37 (hg19) VCF-style: chr2-166170638-G-A.
Other names: c.1383+20G>A (NM_001040143.2, NM_001371246.1, NM_001371247.1 and 1 more transcripts).
Identifiers: ClinVar variation 516315 (VCV000516315.10), dbSNP rs567354567, ClinGen allele CA1939798.